The following is an entry in ClinVar:

NM_000053.4(ATP7B):c.3786_3787insAA (p.Ala1263fs)

Gene: ATP7B (ATPase copper transporting beta; minus strand). Cytogenetic location: 13q14.3.
Variant type: Insertion.
Coding change: c.3786_3787insAA on transcript NM_000053.4 (MANE Select); coding-DNA positions 3786 to 3787, AA inserted.
Protein change: p.Ala1263fs; shifts the reading frame from alanine 1263.
Molecular consequence: frameshift variant. On other transcripts: intron variant (1).
Genome position: GRCh38 VCF-style: chr13-51937592-C-CTT. GRCh37 (hg19) VCF-style: chr13-52511728-C-CTT.
Other names: c.3165_3166insAA, p.Ala1056fs (NM_001005918.3); c.3453_3454insAA, p.Ala1152fs (NM_001243182.2); c.3552_3553insAA, p.Ala1185fs (NM_001330578.2, NM_001406527.1, NM_001406528.1); c.3534_3535insAA, p.Ala1179fs (NM_001330579.2, NM_001406531.1, NM_001406532.1); c.3786_3787insAA, p.Ala1263fs (NM_001406511.1, NM_001406512.1); c.3780_3781insAA, p.Ala1261fs (NM_001406513.1); c.3753_3754insAA, p.Ala1252fs (NM_001406514.1); c.3732_3733insAA, p.Ala1245fs (NM_001406515.1, NM_001406516.1); and 21 more; short protein forms A1099fs, A1150fs, A1215fs, A1261fs, A1263fs, A833fs, A1036fs, A1047fs.
Identifiers: ClinVar variation 4540623 (VCV004540623.2).
Genomic context (GRCh38, chr13:51,937,592, plus strand): 5'-CCACACCCATGTCTGCCTGGGCCAAGGCCGGGGAGTCATTGACCCCATCCCCCACCATGG[C>CTT]GACTTTCTTCCCTTTATTCTGGAGCTCCTGGACCTTGGCCACCTTGTGCGAAGGCAGCAC-3'

ClinVar aggregate classification (germline): Pathogenic/Likely pathogenic. Review status: criteria provided, multiple submitters, no conflicts (2 of 4 stars). 2 submissions from 2 submitters: Pathogenic (1); Likely pathogenic (1). Last evaluated 2025-12-08.

Conditions:
Wilson disease (WND). Also called: Wilson's disease. Identifiers: Orphanet 905, MedGen C0019202, MONDO:0010200, OMIM 277900. Disease mechanism: loss of function.

Submissions (2):

Myriad Genetics, Inc.
Classification: Pathogenic for Wilson disease. Last evaluated: 2025-12-08. Review status: criteria provided, single submitter. Criteria: Myriad Autosomal Dominant, Autosomal Recessive and X-Linked Classification Criteria (2023). Collection method: clinical testing. Allele origin: unknown.
Comment: NM_000053.3(ATP7B):c.3786_3787insAA(A1263Kfs*68) is expected to be pathogenic in the context of Wilson disease. This variant is predicted to lead to an abnormal or absent protein product due to the creation of a premature termination codon in ATP7B, a gene where loss-of-function variants are known to be pathogenic. Please note: this variant was assessed in the context of healthy population screening.

Lildballe Lab, Aarhus University Hospital
Classification: Likely pathogenic for Wilson disease. Last evaluated: 2024-08-29. Review status: criteria provided, single submitter. Criteria: ACMG Guidelines, 2015. Collection method: clinical testing. Allele origin: germline. Affected: yes.
Comment: PVS1, PM2 PM3